The following is an entry in ClinVar:

NM_001458.5(FLNC):c.4105A>G (p.Asn1369Asp)

Gene: FLNC (filamin C; plus strand). Cytogenetic location: 7q32.1.
Variant type: single nucleotide variant.
Coding change: c.4105A>G on transcript NM_001458.5 (MANE Select); coding-DNA position 4105, A replaced by G.
Protein change: p.Asn1369Asp; replaces asparagine 1369 with aspartic acid.
Molecular consequence: missense variant.
Genome position (GRCh38, 1-based): chr7:128,846,441, A>G. VCF-style: chr7-128846441-A-G. GRCh37 (hg19) VCF-style: chr7-128486495-A-G.
Other names: c.4105A>G, p.Asn1369Asp (NM_001127487.2); short protein forms N1369D.
Identifiers: ClinVar variation 1992053 (VCV001992053.5), dbSNP rs1427423596, ClinGen allele CA369199121.
Genomic context (GRCh38, chr7:128,846,441, plus strand): 5'-GATCCCACCCGCGTCCGAGCCTTCGGGCCAGGCCTGGAGGGTGGCTTGGTCAACAAGGCC[A>G]ACCGATTCACTGTGGAGACCAGGTATCCTCCCCCTTTGCTAGCCTAAATCTGTGACCACC-3'
Protein context (NP_001449.3, residues 1359-1379): GLEGGLVNKA[Asn1369Asp]RFTVETRGAG

ClinVar aggregate classification (germline): Uncertain significance. Review status: criteria provided, multiple submitters, no conflicts (2 of 4 stars). 2 submissions from 2 submitters: Uncertain significance (2). Last evaluated 2025-11-21.

Conditions:
Myofibrillar myopathy 5. Also called: FILAMINOPATHY, AUTOSOMAL DOMINANT; Filaminopathy (type). Identifiers: Orphanet 171445, MedGen C1836050, MONDO:0012289, OMIM 609524.
Distal myopathy with posterior leg and anterior hand involvement. Also called: WILLIAMS DISTAL MYOPATHY. Identifiers: Orphanet 63273, MedGen C3279722, MONDO:0013550, OMIM 614065.
Hypertrophic cardiomyopathy 26. Also called: Cardiomyopathy, familial hypertrophic, 26. Identifiers: Orphanet 75249, MedGen C4310749, MONDO:0014883, OMIM 617047.

Allele frequency attached by ClinVar (database versions not stated): gnomAD exomes 0.00001.
gnomAD v4.1: 3 of 1,603,364 alleles (0.00019%); highest among the groups gnomAD compares: Admixed American, 0.005%; no homozygotes.

Submissions (2):

Labcorp Genetics (formerly Invitae), Labcorp
Classification: Uncertain significance for Distal myopathy with posterior leg and anterior hand involvement; Myofibrillar myopathy 5; Hypertrophic cardiomyopathy 26. Last evaluated: 2025-11-21. Review status: criteria provided, single submitter. Criteria: Invitae Variant Classification Sherloc (09022015). Collection method: clinical testing. Allele origin: germline.
Comment: This sequence change replaces asparagine, which is neutral and polar, with aspartic acid, which is acidic and polar, at codon 1369 of the FLNC protein (p.Asn1369Asp). This variant is present in population databases (no rsID available, gnomAD 0.009%). This variant has not been reported in the literature in individuals affected with FLNC-related conditions. ClinVar contains an entry for this variant (Variation ID: 1992053). Invitae Evidence Modeling of protein sequence and biophysical properties (such as structural, functional, and spatial information, amino acid conservation, physicochemical variation, residue mobility, and thermodynamic stability) has been performed for this missense variant. However, the output from this modeling did not meet the statistical confidence thresholds required to predict the impact of this variant on FLNC protein function. In summary, the available evidence is currently insufficient to determine the role of this variant in disease. Therefore, it has been classified as a Variant of Uncertain Significance.

GeneDx
Classification: Uncertain significance. Last evaluated: 2025-01-30. Review status: criteria provided, single submitter. Criteria: GeneDx Variant Classification Process June 2021. Collection method: clinical testing. Allele origin: germline. Affected: yes.
Comment: Not observed at significant frequency in large population cohorts (gnomAD); In silico analysis supports that this missense variant has a deleterious effect on protein structure/function; Has not been previously published as pathogenic or benign to our knowledge